The following is an entry in ClinVar:

ClinVar aggregate classification (germline): Benign/Likely benign. Review status: criteria provided, multiple submitters, no conflicts (2 of 4 stars). 4 submissions from 4 submitters: Benign (1); Likely benign (3). Last evaluated 2024-12-20.

Conditions:
Hereditary cancer-predisposing syndrome. Also called: Neoplastic Syndromes, Hereditary; Tumor predisposition; Hereditary Cancer Syndrome; Hereditary neoplastic syndrome. Identifiers: Orphanet 140162, MedGen C0027672, MeSH D009386, MONDO:0015356.
Hereditary nonpolyposis colorectal neoplasms. Identifiers: MedGen C0009405, MeSH D003123.
Lynch syndrome 5 (LYNCH5). Also called: Colorectal cancer, hereditary nonpolyposis, type 5; Hereditary non-polyposis colorectal cancer, type 5. Identifiers: Orphanet 144, MedGen C1833477, MONDO:0013710, OMIM 614350. Disease mechanism: loss of function.

Submissions (4):

Myriad Genetics, Inc.
Classification: Benign for Lynch syndrome 5. Last evaluated: 2024-12-20. Review status: criteria provided, single submitter. Criteria: Myriad Autosomal Dominant, Autosomal Recessive and X-Linked Classification Criteria (2023). Collection method: clinical testing. Allele origin: unknown.
Comment: This variant is considered benign. This variant is a silent/synonymous amino acid change and it is not expected to impact splicing.

Women's Health and Genetics/Laboratory Corporation of America, LabCorp
Classification: Likely benign. Last evaluated: 2024-01-07. Review status: criteria provided, single submitter. Criteria: LabCorp Variant Classification Summary - May 2015. Collection method: clinical testing. Allele origin: germline.

Labcorp Genetics (formerly Invitae), Labcorp
Classification: Likely benign for Hereditary nonpolyposis colorectal neoplasms. Last evaluated: 2022-12-31. Review status: criteria provided, single submitter. Criteria: Invitae Variant Classification Sherloc (09022015). Collection method: clinical testing. Allele origin: germline.

Ambry Genetics
Classification: Likely benign for Hereditary cancer-predisposing syndrome. Last evaluated: 2021-04-06. Review status: criteria provided, single submitter. Criteria: Ambry Variant Classification Scheme 2023. Collection method: clinical testing. Allele origin: germline.

NM_000179.3(MSH6):c.801A>G (p.Pro267=)

Gene: MSH6 (mutS homolog 6; plus strand). Cytogenetic location: 2p16.3.
Variant type: single nucleotide variant.
Coding change: c.801A>G on transcript NM_000179.3 (MANE Select); coding-DNA position 801, A replaced by G.
Protein change: p.Pro267=; no amino-acid change (proline 267 retained).
Molecular consequence: synonymous variant. On other transcripts: 5 prime UTR variant (9), non-coding transcript variant (4), intron variant (1).
Genome position (GRCh38, 1-based): chr2:47,798,784, A>G. VCF-style: chr2-47798784-A-G. GRCh37 (hg19) VCF-style: chr2-48025923-A-G.
Other names: c.411A>G, p.Pro137= (NM_001281492.2); c.-106A>G (NM_001281493.2, NM_001281494.2, NM_001406811.1 and 6 more transcripts); c.897A>G, p.Pro299= (NM_001406795.1, NM_001406802.1); c.801A>G, p.Pro267= (NM_001406796.1, NM_001406798.1, NM_001406800.1 and 4 more transcripts); c.504A>G, p.Pro168= (NM_001406797.1, NM_001406801.1, NM_001406805.1 and 10 more transcripts); c.276A>G, p.Pro92= (NM_001406799.1, NM_001406806.1, NM_001406807.1); c.723A>G, p.Pro241= (NM_001406804.1); c.807A>G, p.Pro269= (NM_001406813.1); and 2 more.
Identifiers: ClinVar variation 1761672 (VCV001761672.7), dbSNP rs1453889992, ClinGen allele CA426120820.